The following is an entry in ClinVar:

NM_145059.3(FCSK):c.2155+3G>T

Gene: FCSK (fucose kinase; plus strand). Cytogenetic location: 16q22.1.
Variant type: single nucleotide variant.
Coding change: c.2155+3G>T on transcript NM_145059.3 (MANE Select); 3 bases into the intron after coding-DNA position 2155, G replaced by T.
Molecular consequence: intron variant.
Genome position (GRCh38, 1-based): chr16:70,474,697, G>T. VCF-style: chr16-70474697-G-T. GRCh37 (hg19) VCF-style: chr16-70508600-G-T.
Identifiers: ClinVar variation 2756432 (VCV002756432.3), dbSNP rs2507440167, ClinGen allele CA2634065319.

ClinVar aggregate classification (germline): Uncertain significance (1 of 4 stars; one submission).

Submission:

Labcorp Genetics (formerly Invitae), Labcorp
Classification: Uncertain significance. Last evaluated: 2025-07-14. Review status: criteria provided, single submitter. Criteria: Invitae Variant Classification Sherloc (09022015). Collection method: clinical testing. Allele origin: germline.
Comment: This sequence change falls in intron 17 of the FUK gene. It does not directly change the encoded amino acid sequence of the FUK protein. It affects a nucleotide within the consensus splice site. This variant is not present in population databases (gnomAD no frequency). This variant has not been reported in the literature in individuals affected with FUK-related conditions. ClinVar contains an entry for this variant (Variation ID: 2756432). Variants that disrupt the consensus splice site are a relatively common cause of aberrant splicing (PMID: 17576681, 9536098). Algorithms developed to predict the effect of sequence changes on RNA splicing suggest that this variant may disrupt the consensus splice site. In summary, the available evidence is currently insufficient to determine the role of this variant in disease. Therefore, it has been classified as a Variant of Uncertain Significance.

Literature cited by the submitters: PubMed 17576681; PubMed 9536098.